The following is an entry in ClinVar:

NM_004551.3(NDUFS3):c.413A>G (p.Asn138Ser)

Gene: NDUFS3 (NADH:ubiquinone oxidoreductase core subunit S3; plus strand). Cytogenetic location: 11p11.2.
Variant type: single nucleotide variant.
Coding change: c.413A>G on transcript NM_004551.3 (MANE Select); coding-DNA position 413, A replaced by G.
Protein change: p.Asn138Ser; replaces asparagine 138 with serine.
Molecular consequence: missense variant.
Genome position (GRCh38, 1-based): chr11:47,582,119, A>G. VCF-style: chr11-47582119-A-G. GRCh37 (hg19) VCF-style: chr11-47603671-A-G.
Other names: short protein forms N138S.
Identifiers: ClinVar variation 3342083 (VCV003342083.16).

ClinVar aggregate classification (germline): Uncertain significance (1 of 4 stars; one submission).

Submission:

CeGaT Center for Human Genetics Tuebingen
Classification: Uncertain significance. Last evaluated: 2024-08-01. Review status: criteria provided, single submitter. Criteria: CeGaT Center For Human Genetics Tuebingen Variant Classification Criteria Version 2. Collection method: clinical testing. Allele origin: germline. Affected: yes. Observed: 1 variant allele.
Comment: NDUFS3: PM2, PP3